The following is an entry in ClinVar:

NM_000321.3(RB1):c.-90G>A

Gene: RB1 (RB transcriptional corepressor 1; plus strand). Cytogenetic location: 13q14.2.
Variant type: single nucleotide variant.
Coding change: c.-90G>A on transcript NM_000321.3 (MANE Select); 90 bases upstream of the start codon, G replaced by A.
Molecular consequence: 5 prime UTR variant.
Genome position (GRCh38, 1-based): chr13:48,303,823, G>A. VCF-style: chr13-48303823-G-A. GRCh37 (hg19) VCF-style: chr13-48877959-G-A.
Other names: c.-90G>A (NM_001407165.1, NM_001407166.1, NM_001407167.1).
Identifiers: ClinVar variation 3702915 (VCV003702915.2).

ClinVar aggregate classification (germline): Uncertain significance (1 of 4 stars; one submission).

Conditions:
Retinoblastoma (RB1). Also called: RETINOBLASTOMA, SOMATIC. Identifiers: Orphanet 790, MedGen C0035335, MeSH D012175, MONDO:0008380, OMIM 180200, HP:0009919. Disease mechanism: loss of function. Inheritance: Both sporadic and heritable forms are tested..

gnomAD v4.1: 1 of 1,468,368 alleles (0.000068%); highest among the groups gnomAD compares: Non-Finnish European, 0.00009%; no homozygotes.

Submission:

Labcorp Genetics (formerly Invitae), Labcorp
Classification: Uncertain significance for Retinoblastoma. Last evaluated: 2025-12-23. Review status: criteria provided, single submitter. Criteria: Invitae Variant Classification Sherloc (09022015). Collection method: clinical testing. Allele origin: germline.
Comment: This variant occurs in a non-coding region of the RB1 gene. It does not change the encoded amino acid sequence of the RB1 protein. This variant is not present in population databases (gnomAD no frequency). This variant has not been reported in the literature in individuals affected with RB1-related conditions. ClinVar contains an entry for this variant (Variation ID: 3702915). In summary, the available evidence is currently insufficient to determine the role of this variant in disease. Therefore, it has been classified as a Variant of Uncertain Significance.